The following is an entry in ClinVar:

ClinVar aggregate classification (germline): Uncertain significance (1 of 4 stars; one submission).

Conditions:
Hereditary cancer-predisposing syndrome. Also called: Hereditary Cancer Syndrome; Hereditary neoplastic syndrome; Neoplastic Syndromes, Hereditary; Tumor predisposition. Identifiers: Orphanet 140162, MedGen C0027672, MeSH D009386, MONDO:0015356.

Submission:

Ambry Genetics
Classification: Uncertain significance for Hereditary cancer-predisposing syndrome. Last evaluated: 2020-06-29. Review status: criteria provided, single submitter. Criteria: Ambry Variant Classification Scheme 2023. Collection method: clinical testing. Allele origin: germline.
Comment: The c.465delC variant, located in coding exon 3 of the CDKN2A gene, results from a deletion of one nucleotide at nucleotide position 465, causing a translational frameshift with a predicted alternate stop codon (p.D156Ifs*37). Frameshifts are typically deleterious in nature, however, this frameshift occurs at the 3' terminus of CDKN2A, is not expected to trigger nonsense-mediated mRNA decay, and results in the elongation of the protein by 35 amino acids. The exact functional impact of these inserted amino acids is unknown at this time. Since supporting evidence is limited at this time, the clinical significance of this alteration remains unclear.

NM_000077.5(CDKN2A):c.465del (p.Asp156fs)

Gene: CDKN2A (cyclin dependent kinase inhibitor 2A; minus strand). Cytogenetic location: 9p21.3.
Variant type: Deletion.
Coding change: c.465del on transcript NM_000077.5; coding-DNA position 465, one base deleted (C; older notation c.465delC).
Protein change: p.Asp156fs; shifts the reading frame from aspartic acid 156.
Molecular consequence: frameshift variant (on NM_000077.4). On other transcripts: 3 prime UTR variant (3).
Genome position (GRCh38, 1-based): chr9:21,968,235, G deleted on the plus strand (C on the coding strand, the reverse complement: CDKN2A is on the minus strand); the first of 4 consecutive G bases (chr9:21,968,235-21,968,238); deleting any one gives the same sequence. VCF-style (leftmost placement, unchanged base first): chr9-21968234-CG-C. GRCh37 (hg19) VCF-style: chr9-21968233-CG-C.
Other names: c.465delC (NM_000077.4); c.462delC, p.Asp156Ilefs (NM_000077.6); c.*158del (NM_001195132.2); c.312del, p.Asp105fs (NM_001363763.2); c.*109del (NM_058195.4); c.*388del (NM_058197.5); short protein forms D105fs, D156fs.
Identifiers: ClinVar variation 1742236 (VCV001742236.2), dbSNP rs2489260641, ClinGen allele CA2580080292.
Genomic context (GRCh38, chr9:21,968,234, plus strand): 5'-TTCGGTGACTGATGATCTAAGTTTCCCGAGGTTTCTCAGAGCCTCTCTGGTTCTTTCAAT[CG>C]GGGATGTCTGCAGAGGGCAGAAAGAAAACAGGCGTTAGAAACCTGAGGTCAAAGATGTGT-3'